The following is an entry in ClinVar:

NM_000069.3(CACNA1S):c.3953+6C>T

Gene: CACNA1S (calcium voltage-gated channel subunit alpha1 S; minus strand). Cytogenetic location: 1q32.1.
Variant type: single nucleotide variant.
Coding change: c.3953+6C>T on transcript NM_000069.3 (MANE Select); 6 bases into the intron after coding-DNA position 3953, C replaced by T.
Molecular consequence: intron variant.
Genome position (GRCh38, 1-based): chr1:201,052,551, G>A on the plus strand (C>T on the coding strand, the complement: CACNA1S is on the minus strand). VCF-style: chr1-201052551-G-A. GRCh37 (hg19) VCF-style: chr1-201021679-G-A.
Other names: p.?.
Identifiers: ClinVar variation 254834 (VCV000254834.22), dbSNP rs115707724, ClinGen allele CA082986.

ClinVar aggregate classification (germline): Benign. Review status: criteria provided, multiple submitters, no conflicts (2 of 4 stars). 12 submissions from 9 submitters: Benign (12). Last evaluated 2026-02-03.

Conditions:
Malignant hyperthermia, susceptibility to, 5 (MHS5). Also called: CACNA1S-Related Malignant Hyperthermia Susceptibility. Identifiers: Orphanet 423, MedGen C1866077, MONDO:0011163, OMIM 601887.
Hypokalemic periodic paralysis, type 1. Also called: HypoPP; Hypokalemic Periodic Paralysis Type 1 (AD). Identifiers: Orphanet 681, MedGen C3714580, MONDO:0042979, OMIM 170400.
Congenital myopathy 18. Also called: DIHYDROPYRIDINE RECEPTOR CONGENITAL MYOPATHY; DHPR CONGENITAL MYOPATHY; Myopathy, congenital, due to dihydropyridine receptor defect. Identifiers: MedGen C5830283, MONDO:0859514, OMIM 620246.
Thyrotoxic periodic paralysis, susceptibility to, 1 (TTPP1). Identifiers: Orphanet 79102, MedGen C2749982, MONDO:0008570, OMIM 188580.

Allele frequency attached by ClinVar (database versions not stated): ExAC 0.00320; 1000 Genomes Project 30x 0.00968; gnomAD 0.00984 and 0.01059; 1000 Genomes Project 0.00998; TOPMed 0.01113; ESP Exome Variant Server 0.01238.
gnomAD v4.1: 3,193 of 1,609,174 alleles (0.2%); highest among the groups gnomAD compares: African/African-American, 3.5%; 53 homozygotes.

Submissions (12):

Labcorp Genetics (formerly Invitae), Labcorp
Classification: Benign for Hypokalemic periodic paralysis, type 1; Malignant hyperthermia, susceptibility to, 5. Last evaluated: 2026-02-03. Review status: criteria provided, single submitter. Criteria: Invitae Variant Classification Sherloc (09022015). Collection method: clinical testing. Allele origin: germline.

Genome-Nilou Lab
Classification: Benign for Malignant hyperthermia, susceptibility to, 5. Last evaluated: 2023-04-11. Review status: criteria provided, single submitter. Criteria: ACMG Guidelines, 2015. Collection method: clinical testing. Allele origin: germline. Affected: no.

Genome-Nilou Lab
Classification: Benign for Thyrotoxic periodic paralysis, susceptibility to, 1. Last evaluated: 2023-04-11. Review status: criteria provided, single submitter. Criteria: ACMG Guidelines, 2015. Collection method: clinical testing. Allele origin: germline. Affected: no.

Genome-Nilou Lab
Classification: Benign for Congenital myopathy 18. Last evaluated: 2023-04-11. Review status: criteria provided, single submitter. Criteria: ACMG Guidelines, 2015. Collection method: clinical testing. Allele origin: germline. Affected: no.

Genome-Nilou Lab
Classification: Benign for Hypokalemic periodic paralysis, type 1. Last evaluated: 2023-04-11. Review status: criteria provided, single submitter. Criteria: ACMG Guidelines, 2015. Collection method: clinical testing. Allele origin: germline. Affected: no.

Mayo Clinic Laboratories, Mayo Clinic
Classification: Benign. Last evaluated: 2022-12-23. Review status: criteria provided, single submitter. Criteria: ACMG Guidelines, 2015. Collection method: clinical testing. Allele origin: germline. Observed: 5 variant alleles.
Comment: BS1, BS2, BP4, BP7

Color Diagnostics, LLC DBA Color Health
Classification: Benign for Malignant hyperthermia, susceptibility to, 5. Last evaluated: 2022-10-03. Review status: criteria provided, single submitter. Criteria: ACMG Guidelines, 2015. Collection method: clinical testing. Allele origin: germline.

Illumina Laboratory Services, Illumina
Classification: Benign for Hypokalemic periodic paralysis, type 1. Last evaluated: 2018-01-13. Review status: criteria provided, single submitter. Criteria: ICSL Variant Classification Criteria 13 December 2019. Collection method: clinical testing. Allele origin: germline.
Comment: This variant was observed in the ICSL laboratory as part of a predisposition screen in an ostensibly healthy population. It had not been previously curated by ICSL or reported in the Human Gene Mutation Database (HGMD: prior to June 1st, 2018), and was therefore a candidate for classification through an automated scoring system. Utilizing variant allele frequency, disease prevalence and penetrance estimates, and inheritance mode, an automated score was calculated to assess if this variant is too frequent to cause the disease. Based on the score and internal cut-off values, a variant classified as benign is not then subjected to further curation. The score for this variant resulted in a classification of benign for this disease.

Athena Diagnostics
Classification: Benign. Last evaluated: 2017-11-16. Review status: criteria provided, single submitter. Criteria: Athena Diagnostics Criteria. Collection method: clinical testing. Allele origin: germline.

GeneDx
Classification: Benign. Last evaluated: 2017-01-10. Review status: criteria provided, single submitter. Criteria: GeneDx Variant Classification (06012015). Collection method: clinical testing. Allele origin: germline. Affected: yes.
Comment: This variant is considered likely benign or benign based on one or more of the following criteria: it is a conservative change, it occurs at a poorly conserved position in the protein, it is predicted to be benign by multiple in silico algorithms, and/or has population frequency not consistent with disease.

Breakthrough Genomics
Classification: Benign. Review status: criteria provided, single submitter. Criteria: ACMG Guidelines, 2015. Collection method: not provided. Allele origin: germline. Inheritance: Autosomal dominant inheritance. Affected: yes.

PreventionGenetics, part of Exact Sciences
Classification: Benign. Review status: criteria provided, single submitter. Criteria: ACMG Guidelines, 2015. Collection method: clinical testing. Allele origin: germline.